The following is an entry in ClinVar:

ClinVar aggregate classification (germline): Uncertain significance (1 of 4 stars; one submission).

Conditions:
Fanconi anemia (FA). Also called: Fanconi's anemia. Identifiers: Orphanet 84, MedGen C0015625, MeSH D005199, MONDO:0019391.

Allele frequency attached by ClinVar (database versions not stated): TOPMed below 0.00001.
gnomAD v4.1: 1 of 1,612,172 alleles (0.000062%); no homozygotes.

Submission:

Labcorp Genetics (formerly Invitae), Labcorp
Classification: Uncertain significance for Fanconi anemia. Last evaluated: 2021-09-17. Review status: criteria provided, single submitter. Criteria: Invitae Variant Classification Sherloc (09022015). Collection method: clinical testing. Allele origin: germline.
Comment: This sequence change replaces histidine with arginine at codon 458 of the FANCI protein (p.His458Arg). The histidine residue is highly conserved and there is a small physicochemical difference between histidine and arginine. This variant is not present in population databases (ExAC no frequency). This variant has not been reported in the literature in individuals affected with FANCI-related conditions. Algorithms developed to predict the effect of missense changes on protein structure and function (SIFT, PolyPhen-2, Align-GVGD) all suggest that this variant is likely to be tolerated. In summary, the available evidence is currently insufficient to determine the role of this variant in disease. Therefore, it has been classified as a Variant of Uncertain Significance.

NM_001113378.2(FANCI):c.1373A>G (p.His458Arg)

Gene: FANCI (FA complementation group I; plus strand). Cytogenetic location: 15q26.1.
Variant type: single nucleotide variant.
Coding change: c.1373A>G on transcript NM_001113378.2 (MANE Select); coding-DNA position 1373, A replaced by G.
Protein change: p.His458Arg; replaces histidine 458 with arginine.
Molecular consequence: missense variant.
Genome position (GRCh38, 1-based): chr15:89,278,766, A>G. VCF-style: chr15-89278766-A-G. GRCh37 (hg19) VCF-style: chr15-89821997-A-G.
Other names: c.1094A>G, p.His365Arg (NM_001376910.1); c.1373A>G, p.His458Arg (NM_001376911.1, NM_018193.3); short protein forms H365R, H458R.
Identifiers: ClinVar variation 1448449 (VCV001448449.5), dbSNP rs2053499876, ClinGen allele CA393743371.